The following is an entry in ClinVar:

ClinVar aggregate classification (germline): Uncertain significance (1 of 4 stars; one submission).

Submission:

GeneDx
Classification: Uncertain significance. Last evaluated: 2020-04-17. Review status: criteria provided, single submitter. Criteria: GeneDx Variant Classification Process June 2021. Collection method: clinical testing. Allele origin: germline. Affected: yes.
Comment: Not observed in large population cohorts (Lek et al., 2016); Missense variants in this gene are often considered pathogenic (Stenson et al., 2014); In silico analysis supports that this missense variant has a deleterious effect on protein structure/function; Has not been previously published as pathogenic or benign to our knowledge

NM_000533.5(PLP1):c.319A>G (p.Thr107Ala)

Genes: PLP1 (proteolipid protein 1; plus strand), RAB9B (RAB9B, member RAS oncogene family; minus strand). Cytogenetic location: Xq22.2.
Variant type: single nucleotide variant.
Coding change: c.319A>G on transcript NM_000533.5 (MANE Select); coding-DNA position 319, A replaced by G.
Protein change: p.Thr107Ala; replaces threonine 107 with alanine.
Molecular consequence: missense variant.
Genome position (GRCh38, 1-based): chrX:103,786,592, A>G. VCF-style: chrX-103786592-A-G. GRCh37 (hg19) VCF-style: chrX-103041521-A-G.
Other names: c.319A>G, p.Thr107Ala (NM_001128834.3, NM_199478.3); c.154A>G, p.Thr52Ala (NM_001305004.1); short protein forms T107A, T52A.
Identifiers: ClinVar variation 1303752 (VCV001303752.2), dbSNP rs2147764406, ClinGen allele CA414102679.